The following is an entry in ClinVar:

ClinVar aggregate classification (germline): Conflicting classifications of pathogenicity. Review status: criteria provided, conflicting classifications (1 of 4 stars). 2 submissions from 2 submitters: Uncertain significance (1); Likely benign (1). Last evaluated 2026-03-18.

Conditions:
Hereditary cancer-predisposing syndrome. Also called: Hereditary Cancer Syndrome; Neoplastic Syndromes, Hereditary; Hereditary neoplastic syndrome; Tumor predisposition. Identifiers: Orphanet 140162, MedGen C0027672, MeSH D009386, MONDO:0015356.

gnomAD v4.1: 2 of 1,614,104 alleles (0.00012%); highest among the groups gnomAD compares: Non-Finnish European, 0.00017%; no homozygotes.

Submissions (2):

Ambry Genetics
Classification: Uncertain significance for Hereditary cancer-predisposing syndrome. Last evaluated: 2026-03-18. Review status: criteria provided, single submitter. Criteria: Ambry Variant Classification Scheme 2023. Collection method: clinical testing. Allele origin: germline.
Comment: The c.3006G>A variant (also known as p.V1002V), located in coding exon 25 of the POLE gene, results from a G to A substitution at nucleotide position 3006. This nucleotide substitution does not change the amino acid at codon 1002. In silico splice site analysis predicts that this alteration may result in the creation or strengthening of a novel splice donor site. Based on the available evidence, the clinical significance of this variant remains unclear.

Labcorp Genetics (formerly Invitae), Labcorp
Classification: Likely benign. Last evaluated: 2024-09-15. Review status: criteria provided, single submitter. Criteria: Invitae Variant Classification Sherloc (09022015). Collection method: clinical testing. Allele origin: germline.

NM_006231.4(POLE):c.3006G>A (p.Val1002=)

Gene: POLE (DNA polymerase epsilon, catalytic subunit; minus strand). Cytogenetic location: 12q24.33.
Variant type: single nucleotide variant.
Coding change: c.3006G>A on transcript NM_006231.4 (MANE Select); coding-DNA position 3006, G replaced by A.
Protein change: p.Val1002=; no amino-acid change (valine 1002 retained).
Molecular consequence: synonymous variant.
Genome position (GRCh38, 1-based): chr12:132,661,023, C>T on the plus strand (G>A on the coding strand, the complement: POLE is on the minus strand). VCF-style: chr12-132661023-C-T. GRCh37 (hg19) VCF-style: chr12-133237609-C-T.
Other names: c.3006G>A (NM_006231.2).
Identifiers: ClinVar variation 1576692 (VCV001576692.9), dbSNP rs1031081340, ClinGen allele CA246317034.